The following is an entry in ClinVar:

NM_178565.5(RSPO2):c.699C>T (p.Ser233=)

Gene: RSPO2 (R-spondin 2; minus strand). Cytogenetic location: 8q23.1.
Variant type: single nucleotide variant.
Coding change: c.699C>T on transcript NM_178565.5 (MANE Select); coding-DNA position 699, C replaced by T.
Protein change: p.Ser233=; no amino-acid change (serine 233 retained).
Molecular consequence: synonymous variant.
Genome position (GRCh38, 1-based): chr8:107,901,108, G>A on the plus strand (C>T on the coding strand, the complement: RSPO2 is on the minus strand). VCF-style: chr8-107901108-G-A. GRCh37 (hg19) VCF-style: chr8-108913336-G-A.
Other names: c.507C>T, p.Ser169= (NM_001282863.2); c.498C>T, p.Ser166= (NM_001317942.2); c.699C>T (NM_178565.4).
Identifiers: ClinVar variation 2986935 (VCV002986935.5), dbSNP rs767045413, ClinGen allele CA4841496.

ClinVar aggregate classification (germline): Likely benign. Review status: criteria provided, single submitter (1 of 4 stars). 2 submissions from 2 submitters: Likely benign (1). 1 of the submissions does not count toward it. Last evaluated 2025-10-23.

Conditions:
RSPO2-related disorder. Also called: RSPO2-related condition.

Allele frequency attached by ClinVar (database versions not stated): gnomAD 0.00001; TOPMed 0.00001; ExAC 0.00001.
gnomAD v4.1: 16 of 1,613,968 alleles (0.00099%); highest among the groups gnomAD compares: Middle Eastern, 0.016%; no homozygotes.

Submissions (2):

Labcorp Genetics (formerly Invitae), Labcorp
Classification: Likely benign. Last evaluated: 2025-10-23. Review status: criteria provided, single submitter. Criteria: Invitae Variant Classification Sherloc (09022015). Collection method: clinical testing. Allele origin: germline.

PreventionGenetics, part of Exact Sciences
Classification: Likely benign for RSPO2-related condition. Last evaluated: 2019-09-05. Review status: no assertion criteria provided. Collection method: clinical testing. Allele origin: germline. Not counted in ClinVar's aggregate classification.
Comment: This variant is classified as likely benign based on ACMG/AMP sequence variant interpretation guidelines (Richards et al. 2015 PMID: 25741868, with internal and published modifications).